The following is an entry in ClinVar:

NM_016929.5(CLIC5):c.660C>T (p.Asn220=)

Gene: CLIC5 (CLIC family member 5; minus strand). Cytogenetic location: 6p21.1.
Variant type: single nucleotide variant.
Coding change: c.660C>T on transcript NM_016929.5 (MANE Select); coding-DNA position 660, C replaced by T.
Protein change: p.Asn220=; no amino-acid change (asparagine 220 retained).
Molecular consequence: synonymous variant. On other transcripts: non-coding transcript variant (2).
Genome position (GRCh38, 1-based): chr6:45,903,184, G>A on the plus strand (C>T on the coding strand, the complement: CLIC5 is on the minus strand). VCF-style: chr6-45903184-G-A. GRCh37 (hg19) VCF-style: chr6-45870921-G-A.
Other names: c.1137C>T, p.Asn379= (NM_001114086.2, NM_001370650.1); c.543C>T, p.Asn181= (NM_001370649.1).
Identifiers: ClinVar variation 3637049 (VCV003637049.4).
Genomic context (GRCh38, chr6:45,903,184, plus strand): 5'-GGCCAACTCGATCTCACTGTCAGCTGCACAGGTGTTGGTGAACTCATCACGGGCATAGGC[G>A]TTCTTGAGGTACCGCCACAGGCCTGTCATCTCAGCCGGGATATCATAGTTGCGGTATTTC-3'
Protein context (NP_058625.2, residues 210-230): EMTGLWRYLK[Asn220=]AYARDEFTNT

ClinVar aggregate classification (germline): Likely benign. Review status: criteria provided, multiple submitters, no conflicts (2 of 4 stars). 2 submissions from 2 submitters: Likely benign (2). Last evaluated 2026-06-01.

gnomAD v4.1: 107 of 1,613,552 alleles (0.0066%); highest among the groups gnomAD compares: African/African-American, 0.016%; no homozygotes.

Submissions (2):

CeGaT Center for Human Genetics Tuebingen
Classification: Likely benign. Last evaluated: 2026-06-01. Review status: criteria provided, single submitter. Criteria: CeGaT Center For Human Genetics Tuebingen Variant Classification Criteria Version 2. Collection method: clinical testing. Allele origin: germline. Affected: yes. Observed: 1 variant allele.
Comment: CLIC5: BP4, BP7

Labcorp Genetics (formerly Invitae), Labcorp
Classification: Likely benign. Last evaluated: 2024-07-27. Review status: criteria provided, single submitter. Criteria: Invitae Variant Classification Sherloc (09022015). Collection method: clinical testing. Allele origin: germline.